The following is an entry in ClinVar:

NM_005477.3(HCN4):c.2796C>T (p.Gly932=)

Gene: HCN4 (hyperpolarization activated cyclic nucleotide gated potassium channel 4; minus strand). Cytogenetic location: 15q24.1.
Variant type: single nucleotide variant.
Coding change: c.2796C>T on transcript NM_005477.3 (MANE Select); coding-DNA position 2796, C replaced by T.
Protein change: p.Gly932=; no amino-acid change (glycine 932 retained).
Molecular consequence: synonymous variant.
Genome position (GRCh38, 1-based): chr15:73,323,297, G>A on the plus strand (C>T on the coding strand, the complement: HCN4 is on the minus strand). VCF-style: chr15-73323297-G-A. GRCh37 (hg19) VCF-style: chr15-73615638-G-A.
Identifiers: ClinVar variation 847610 (VCV000847610.12), dbSNP rs765986414, ClinGen allele CA7648954.

ClinVar aggregate classification (germline): Likely benign. Review status: criteria provided, multiple submitters, no conflicts (2 of 4 stars). 4 submissions from 4 submitters: Likely benign (4). Last evaluated 2026-05-19.

Conditions:
Cardiovascular phenotype. Identifiers: MedGen CN230736.
Brugada syndrome 8 (BRGDA8). Identifiers: Orphanet 130, MedGen C2751083, MONDO:0013148, OMIM 613123.
HCN4-related disorder. Also called: HCN4-related condition.

Allele frequency attached by ClinVar (database versions not stated): TOPMed 0.00002; gnomAD 0.00003; gnomAD exomes 0.00003; ExAC 0.00006.
gnomAD v4.1: 40 of 1,542,214 alleles (0.0026%); highest among the groups gnomAD compares: Admixed American, 0.0079%; no homozygotes.

Submissions (4):

PreventionGenetics, part of Exact Sciences
Classification: Likely benign for HCN4-related condition. Last evaluated: 2026-05-19. Review status: criteria provided, single submitter. Criteria: ACMG Guidelines, 2015. Collection method: clinical testing. Allele origin: germline.
Comment: This variant is classified as likely benign based on ACMG/AMP sequence variant interpretation guidelines (Richards et al. 2015 PMID: 25741868, with internal and published modifications).

Labcorp Genetics (formerly Invitae), Labcorp
Classification: Likely benign for Brugada syndrome 8. Last evaluated: 2025-12-21. Review status: criteria provided, single submitter. Criteria: Invitae Variant Classification Sherloc (09022015). Collection method: clinical testing. Allele origin: germline.

Blueprint Genetics
Classification: Likely benign. Last evaluated: 2023-09-19. Review status: criteria provided, single submitter. Criteria: ACMG Guidelines, 2015. Collection method: clinical testing. Allele origin: germline.

Ambry Genetics
Classification: Likely benign for Cardiovascular phenotype. Last evaluated: 2023-05-22. Review status: criteria provided, single submitter. Criteria: Ambry Variant Classification Scheme 2023. Collection method: clinical testing. Allele origin: germline.